The following is an entry in ClinVar:

NM_001201543.2(FAM161A):c.1192C>G (p.Leu398Val)

Gene: FAM161A (FAM161 centrosomal protein A; minus strand). Cytogenetic location: 2p15.
Variant type: single nucleotide variant.
Coding change: c.1192C>G on transcript NM_001201543.2 (MANE Select); coding-DNA position 1192, C replaced by G.
Protein change: p.Leu398Val; replaces leucine 398 with valine.
Molecular consequence: missense variant. On other transcripts: non-coding transcript variant (1).
Genome position (GRCh38, 1-based): chr2:61,839,812, G>C on the plus strand (C>G on the coding strand, the complement: FAM161A is on the minus strand). VCF-style: chr2-61839812-G-C. GRCh37 (hg19) VCF-style: chr2-62066947-G-C.
Other names: c.1192C>G, p.Leu398Val (NM_032180.3); c.1192C>G (NM_001201543.1); short protein forms L398V.
Identifiers: ClinVar variation 2140257 (VCV002140257.4), dbSNP rs1672935808, ClinGen allele CA346987058.

ClinVar aggregate classification (germline): Uncertain significance. Review status: criteria provided, multiple submitters, no conflicts (2 of 4 stars). 3 submissions from 3 submitters: Uncertain significance (3). Last evaluated 2025-12-01.

Conditions:
FAM161A-related disorder. Also called: FAM161A-related condition.
Inborn genetic diseases. Identifiers: MedGen C0950123, MeSH D030342.

Allele frequency attached by ClinVar (database versions not stated): gnomAD 0.00001; TOPMed 0.00004.
gnomAD v4.1: 1 of 1,614,086 alleles (0.000062%); highest among the groups gnomAD compares: Admixed American, 0.0017%; no homozygotes.

Submissions (3):

Labcorp Genetics (formerly Invitae), Labcorp
Classification: Uncertain significance. Last evaluated: 2025-12-01. Review status: criteria provided, single submitter. Criteria: Invitae Variant Classification Sherloc (09022015). Collection method: clinical testing. Allele origin: germline.
Comment: This sequence change replaces leucine, which is neutral and non-polar, with valine, which is neutral and non-polar, at codon 398 of the FAM161A protein (p.Leu398Val). This variant is not present in population databases (gnomAD no frequency). This variant has not been reported in the literature in individuals affected with FAM161A-related conditions. ClinVar contains an entry for this variant (Variation ID: 2140257). Invitae Evidence Modeling of protein sequence and biophysical properties (such as structural, functional, and spatial information, amino acid conservation, physicochemical variation, residue mobility, and thermodynamic stability) indicates that this missense variant is not expected to disrupt FAM161A protein function with a negative predictive value of 80%. In summary, the available evidence is currently insufficient to determine the role of this variant in disease. Therefore, it has been classified as a Variant of Uncertain Significance.

PreventionGenetics, part of Exact Sciences
Classification: Uncertain significance for FAM161A-related condition. Last evaluated: 2025-10-13. Review status: criteria provided, single submitter. Criteria: ACMG Guidelines, 2015. Collection method: clinical testing. Allele origin: germline.
Comment: The FAM161A c.1192C>G variant is predicted to result in the amino acid substitution p.Leu398Val. To our knowledge, this variant has not been reported in the literature or in a large population database (gnomAD), indicating this variant is rare. At this time, the clinical significance of this variant is uncertain due to the absence of conclusive functional and genetic evidence.

Ambry Genetics
Classification: Uncertain significance for Inborn genetic diseases. Last evaluated: 2024-01-23. Review status: criteria provided, single submitter. Criteria: Ambry Variant Classification Scheme 2023. Collection method: clinical testing. Allele origin: germline.